The following is an entry in ClinVar:

ClinVar aggregate classification (germline): Uncertain significance (1 of 4 stars; one submission).

Allele frequency attached by ClinVar (database versions not stated): gnomAD exomes below 0.00001.
gnomAD v4.1: 1 of 1,614,100 alleles (0.000062%); highest among the groups gnomAD compares: Non-Finnish European, 0.000085%; no homozygotes.

Submission:

Labcorp Genetics (formerly Invitae), Labcorp
Classification: Uncertain significance. Last evaluated: 2021-12-22. Review status: criteria provided, single submitter. Criteria: Invitae Variant Classification Sherloc (09022015). Collection method: clinical testing. Allele origin: germline.
Comment: In summary, the available evidence is currently insufficient to determine the role of this variant in disease. Therefore, it has been classified as a Variant of Uncertain Significance. Algorithms developed to predict the effect of missense changes on protein structure and function (SIFT, PolyPhen-2, Align-GVGD) all suggest that this variant is likely to be disruptive. This variant has not been reported in the literature in individuals affected with RPIA-related conditions. This variant is not present in population databases (gnomAD no frequency). This sequence change replaces leucine, which is neutral and non-polar, with valine, which is neutral and non-polar, at codon 179 of the RPIA protein (p.Leu179Val).

NM_144563.3(RPIA):c.535C>G (p.Leu179Val)

Gene: RPIA (ribose 5-phosphate isomerase A; plus strand). Cytogenetic location: 2p11.2.
Variant type: single nucleotide variant.
Coding change: c.535C>G on transcript NM_144563.3 (MANE Select); coding-DNA position 535, C replaced by G.
Protein change: p.Leu179Val; replaces leucine 179 with valine.
Molecular consequence: missense variant.
Genome position (GRCh38, 1-based): chr2:88,735,676, C>G. VCF-style: chr2-88735676-C-G. GRCh37 (hg19) VCF-style: chr2-89035193-C-G.
Other names: short protein forms L179V.
Identifiers: ClinVar variation 2082776 (VCV002082776.4), dbSNP rs2528490470, ClinGen allele CA347588396.